The following is an entry in ClinVar:

NM_001267550.2(TTN):c.97472T>C (p.Ile32491Thr)

Genes: TTN (titin; minus strand), TTN-AS1 (TTN antisense RNA 1; plus strand). Cytogenetic location: 2q31.2.
Variant type: single nucleotide variant.
Coding change: c.97472T>C on transcript NM_001267550.2 (MANE Select); coding-DNA position 97472, T replaced by C.
Protein change: p.Ile32491Thr; replaces isoleucine 32491 with threonine.
Molecular consequence: missense variant. On other transcripts: non-coding transcript variant (1).
Genome position (GRCh38, 1-based): chr2:178,542,284, A>G on the plus strand (T>C on the coding strand, the complement: TTN is on the minus strand). VCF-style: chr2-178542284-A-G. GRCh37 (hg19) VCF-style: chr2-179407011-A-G.
Other names: c.97472T>C (LRG_391t1); c.92549T>C, p.Ile30850Thr (NM_001256850.1); c.70277T>C, p.Ile23426Thr (NM_003319.4); c.89768T>C, p.Ile29923Thr (NM_133378.4); c.70652T>C, p.Ile23551Thr (NM_133432.3); c.70853T>C, p.Ile23618Thr (NM_133437.4); short protein forms I29923T, I32491T, I23426T, I23618T, I23551T, I30850T.
Identifiers: ClinVar variation 281292 (VCV000281292.20), dbSNP rs781572378, ClinGen allele CA1986556.
Genomic context (GRCh38, chr2:178,542,284, plus strand): 5'-TCAGAGGTGGGGAGAGTGGTGGAAGGGCCTGTGGACTTACGGATGCTGCTGCGACACTCT[A>G]TGACCTCAGACTGCAAGTAAGAGCCAATCCCGAAGCGGTTTGTTGCAGCCACACGGAACA-3'
Protein context (NP_001254479.2, residues 32481-32501): GIGSYLQSEV[Ile32491Thr]ECRSSIRIPG

ClinVar aggregate classification (germline): Conflicting classifications of pathogenicity. Review status: criteria provided, conflicting classifications (1 of 4 stars). 7 submissions from 7 submitters: Uncertain significance (6); Likely benign (1). Last evaluated 2026-05-31.

Conditions:
TTN-related disorder. Also called: TTN-related disorders; TTN-related condition; TTN-related disease.
Cardiovascular phenotype. Identifiers: MedGen CN230736.

Allele frequency attached by ClinVar (database versions not stated): gnomAD exomes 0.00003; ExAC 0.00004; TOPMed 0.00004; gnomAD 0.00005.
gnomAD v4.1: 37 of 1,610,634 alleles (0.0023%); highest among the groups gnomAD compares: Admixed American, 0.012%; no homozygotes.

Submissions (7):

PreventionGenetics, part of Exact Sciences
Classification: Uncertain significance for TTN-related condition. Last evaluated: 2026-05-31. Review status: criteria provided, single submitter. Criteria: ACMG Guidelines, 2015. Collection method: clinical testing. Allele origin: germline.
Comment: The TTN c.97472T>C variant is predicted to result in the amino acid substitution p.Ile32491Thr. This variant has been reported in one individual with left ventricular noncompaction (Table S2, Mazzarotto. 2021. PubMed ID: 33500567). This variant is reported in 0.014% of alleles in individuals of Latino descent in gnomAD. At this time, the clinical significance of this variant is uncertain due to the absence of conclusive functional and genetic evidence.

CeGaT Center for Human Genetics Tuebingen
Classification: Uncertain significance. Last evaluated: 2025-10-01. Review status: criteria provided, single submitter. Criteria: CeGaT Center For Human Genetics Tuebingen Variant Classification Criteria Version 2. Collection method: clinical testing. Allele origin: germline. Affected: yes. Observed: 1 variant allele.
Comment: TTN: PM2

Revvity Omics, Revvity
Classification: Uncertain significance. Last evaluated: 2020-09-24. Review status: criteria provided, single submitter. Criteria: ACMG Guidelines, 2015. Collection method: clinical testing. Allele origin: germline.

Ambry Genetics
Classification: Uncertain significance for Cardiovascular phenotype. Last evaluated: 2019-11-01. Review status: criteria provided, single submitter. Criteria: Ambry Variant Classification Scheme 2023. Collection method: clinical testing. Allele origin: germline.
Comment: The p.I23426T variant (also known as c.70277T>C), located in coding exon 176 of the TTN gene, results from a T to C substitution at nucleotide position 70277. The isoleucine at codon 23426 is replaced by threonine, an amino acid with similar properties. This amino acid position is not well conserved in available vertebrate species. In addition, this alteration is predicted to be tolerated by in silico analysis. Since supporting evidence is limited at this time, the clinical significance of this alteration remains unclear.

GeneDx
Classification: Likely benign. Last evaluated: 2019-10-29. Review status: criteria provided, single submitter. Criteria: GeneDx Variant Classification Process June 2021. Collection method: clinical testing. Allele origin: germline. Affected: yes.

Athena Diagnostics
Classification: Uncertain significance. Last evaluated: 2017-07-05. Review status: criteria provided, single submitter. Criteria: Athena Diagnostics Criteria. Collection method: clinical testing. Allele origin: germline.

Eurofins Ntd Llc (ga)
Classification: Uncertain significance. Last evaluated: 2015-07-07. Review status: criteria provided, single submitter. Criteria: EGL Classification Definitions 2015. Collection method: clinical testing. Allele origin: germline. Observed: 1 variant allele, 1 heterozygote.